The following is an entry in ClinVar:

ClinVar aggregate classification (germline): Likely benign (1 of 4 stars; one submission).

Allele frequency attached by ClinVar (database versions not stated): 1000 Genomes Project 0.00379.

Submission:

CeGaT Center for Human Genetics Tuebingen
Classification: Likely benign. Last evaluated: 2022-08-01. Review status: criteria provided, single submitter. Criteria: CeGaT Center For Human Genetics Tuebingen Variant Classification Criteria Version 2. Collection method: clinical testing. Allele origin: germline. Affected: yes. Observed: 1 variant allele.
Comment: FMN2: BP4, BP7

NM_020066.5(FMN2):c.2772G>C (p.Pro924=)

Gene: FMN2 (formin 2; plus strand). Cytogenetic location: 1q43.
Variant type: single nucleotide variant.
Coding change: c.2772G>C on transcript NM_020066.5 (MANE Select); coding-DNA position 2772, G replaced by C.
Protein change: p.Pro924=; no amino-acid change (proline 924 retained).
Molecular consequence: synonymous variant. On other transcripts: intron variant (1).
Genome position (GRCh38, 1-based): chr1:240,207,584, G>C. VCF-style: chr1-240207584-G-C. GRCh37 (hg19) VCF-style: chr1-240370884-G-C.
Other names: c.2784G>C, p.Pro928= (NM_001305424.2); c.1986+19322G>C (NM_001348094.2).
Identifiers: ClinVar variation 2640133 (VCV002640133.24), dbSNP rs148496994, ClinGen allele CA1476730.